The following is an entry in ClinVar:

NM_003482.4(KMT2D):c.12252T>C (p.Pro4084=)

Gene: KMT2D (lysine methyltransferase 2D; minus strand). Cytogenetic location: 12q13.12.
Variant type: single nucleotide variant.
Coding change: c.12252T>C on transcript NM_003482.4 (MANE Select); coding-DNA position 12252, T replaced by C.
Protein change: p.Pro4084=; no amino-acid change (proline 4084 retained).
Molecular consequence: synonymous variant.
Genome position (GRCh38, 1-based): chr12:49,032,453, A>G on the plus strand (T>C on the coding strand, the complement: KMT2D is on the minus strand). VCF-style: chr12-49032453-A-G. GRCh37 (hg19) VCF-style: chr12-49426236-A-G.
Identifiers: ClinVar variation 1203500 (VCV001203500.8), dbSNP rs375015236, ClinGen allele CA236639597.

ClinVar aggregate classification (germline): Benign/Likely benign. Review status: criteria provided, multiple submitters, no conflicts (2 of 4 stars). 3 submissions from 3 submitters: Benign (1); Likely benign (1). 1 of the submissions does not count toward it. Last evaluated 2025-09-24.

Conditions:
Kabuki syndrome. Also called: NIIKAWA-KUROKI SYNDROME; Kabuki make-up syndrome. Identifiers: Orphanet 2322, MedGen C0796004, MONDO:0016512.
KMT2D-related disorder. Also called: KMT2D-Related Disorders.

Allele frequency attached by ClinVar (database versions not stated): gnomAD exomes 0.00001 and below 0.00001; gnomAD 0.00003 and 0.00004; TOPMed 0.00004; ESP Exome Variant Server 0.00008.
gnomAD v4.1: 9 of 1,569,822 alleles (0.00057%); highest among the groups gnomAD compares: African/African-American, 0.0041%; no homozygotes.

Submissions (3):

Labcorp Genetics (formerly Invitae), Labcorp
Classification: Benign for Kabuki syndrome. Last evaluated: 2025-09-24. Review status: criteria provided, single submitter. Criteria: Invitae Variant Classification Sherloc (09022015). Collection method: clinical testing. Allele origin: germline.

GeneDx
Classification: Likely benign. Last evaluated: 2019-12-31. Review status: criteria provided, single submitter. Criteria: GeneDx Variant Classification Process June 2021. Collection method: clinical testing. Allele origin: germline. Affected: yes.

PreventionGenetics, part of Exact Sciences
Classification: Likely benign for KMT2D-related condition. Last evaluated: 2019-06-10. Review status: no assertion criteria provided. Collection method: clinical testing. Allele origin: germline. Not counted in ClinVar's aggregate classification.
Comment: This variant is classified as likely benign based on ACMG/AMP sequence variant interpretation guidelines (Richards et al. 2015 PMID: 25741868, with internal and published modifications).